The following is an entry in ClinVar:

ClinVar aggregate classification (germline): Conflicting classifications of pathogenicity. Review status: criteria provided, conflicting classifications (1 of 4 stars). 10 submissions from 10 submitters: Pathogenic (2); Likely pathogenic (3); Uncertain significance (5). Last evaluated 2026-05-08.

Conditions:
Muscular dystrophy, limb-girdle, autosomal dominant 4. Also called: MUSCULAR DYSTROPHY, LIMB-GIRDLE, TYPE 1I; Calpain-3-related limb-girdle muscular dystrophy D4. Identifiers: Orphanet 565909, MedGen C4748295, MONDO:0029133, OMIM 618129.
Autosomal recessive limb-girdle muscular dystrophy type 2A (LGMDR1). Also called: Calpainopathy; Muscular dystrophy, limb-girdle, type 2A, Amish; LEYDEN-MOEBIUS MUSCULAR DYSTROPHY; MUSCULAR DYSTROPHY, PELVOFEMORAL; Limb-girdle muscular dystrophy, type 2A. Identifiers: Orphanet 267, MedGen C1869123, MONDO:0009675, OMIM 253600. Disease mechanism: loss of function.
CAPN3-related disorder. Also called: CAPN3-related condition; CAPN3-related disorders. Identifiers: MedGen CN239245.

Allele frequency attached by ClinVar (database versions not stated): gnomAD 0.00001 and 0.00002; ExAC 0.00002; gnomAD exomes 0.00002 and 0.00004; TOPMed 0.00002.
gnomAD v4.1: 63 of 1,614,090 alleles (0.0039%); highest among the groups gnomAD compares: Non-Finnish European, 0.005%; no homozygotes.

Submissions (10):

Myriad Genetics, Inc.
Classification: Uncertain significance for Autosomal recessive limb-girdle muscular dystrophy type 2A. Last evaluated: 2026-05-08. Review status: criteria provided, single submitter. Criteria: Myriad Autosomal Dominant, Autosomal Recessive and X-Linked Classification Criteria (2023). Collection method: clinical testing. Allele origin: unknown.
Comment: NM_000070.2(CAPN3):c.566T>C(L189P) is a missense variant classified as a variant of uncertain significance in the context of calpainopathy. L189P has been observed in cases with relevant disease (PMID: 18055493, 18413479, 32153140). Relevant functional assessments of this variant are not available in the literature. L189P has been observed in referenced population frequency databases. In summary, there is insufficient evidence to classify NM_000070.2(CAPN3):c.566T>C(L189P) as pathogenic or benign. Please note: this variant was assessed in the context of healthy population screening.

Natera, Inc.
Classification: Likely pathogenic for Limb-girdle muscular dystrophy type 2A. Last evaluated: 2025-10-20. Review status: criteria provided, single submitter. Criteria: Natera Variant Classification Schema (03/2026). Collection method: clinical testing. Allele origin: germline.
Comment: The c.566T>C variant in CAPN3 is a missense variant predicted to cause substitution of leucine to proline at amino acid 189. This variant is rare in the general population with a frequency below the threshold expected for the associated phenotype(s). This variant has been observed in one or more individuals affected with the associated recessive disease, as either homozygous or compound heterozygous with a second variant (PMID: 18413479, 18055493, 11297944, 32153140). Computational prediction algorithms indicate this variant is likely to affect gene or protein function. Given the available evidence, this variant is classified as Likely Pathogenic.

Labcorp Genetics (formerly Invitae), Labcorp
Classification: Uncertain significance for Autosomal recessive limb-girdle muscular dystrophy type 2A. Last evaluated: 2025-09-28. Review status: criteria provided, single submitter. Criteria: Invitae Variant Classification Sherloc (09022015). Collection method: clinical testing. Allele origin: germline.
Comment: This sequence change replaces leucine, which is neutral and non-polar, with proline, which is neutral and non-polar, at codon 189 of the CAPN3 protein (p.Leu189Pro). This variant is present in population databases (rs758795961, gnomAD 0.004%). This missense change has been observed in individual(s) with limb-girdle muscular dystrophy (PMID: 10330340, 11297944, 18055493). ClinVar contains an entry for this variant (Variation ID: 217158). Invitae Evidence Modeling of protein sequence and biophysical properties (such as structural, functional, and spatial information, amino acid conservation, physicochemical variation, residue mobility, and thermodynamic stability) indicates that this missense variant is expected to disrupt CAPN3 protein function with a positive predictive value of 80%. In summary, the available evidence is currently insufficient to determine the role of this variant in disease. Therefore, it has been classified as a Variant of Uncertain Significance.

Blueprint Genetics
Classification: Likely pathogenic for CAPN3-related disorders. Last evaluated: 2024-09-20. Review status: criteria provided, single submitter. Criteria: ACMG Guidelines, 2015. Collection method: clinical testing. Allele origin: germline. Affected: yes. Observed: 1 variant allele.

Fulgent Genetics
Classification: Likely pathogenic for Autosomal recessive limb-girdle muscular dystrophy type 2A; Muscular dystrophy, limb-girdle, autosomal dominant 4. Last evaluated: 2024-05-08. Review status: criteria provided, single submitter. Criteria: ACMG Guidelines, 2015. Collection method: clinical testing. Allele origin: germline.

Baylor Genetics
Classification: Pathogenic for Muscular dystrophy, limb-girdle, autosomal dominant 4. Last evaluated: 2024-01-25. Review status: criteria provided, single submitter. Criteria: ACMG Guidelines, 2015. Collection method: clinical testing. Allele origin: unknown.

Women's Health and Genetics/Laboratory Corporation of America, LabCorp
Classification: Uncertain significance. Last evaluated: 2023-08-02. Review status: criteria provided, single submitter. Criteria: LabCorp Variant Classification Summary - May 2015. Collection method: clinical testing. Allele origin: germline.
Comment: Variant summary: CAPN3 c.566T>C (p.Leu189Pro) results in a non-conservative amino acid change located in the Peptidase C2, calpain, catalytic domain (IPR001300) of the encoded protein sequence. Five of five in-silico tools predict a damaging effect of the variant on protein function. The variant allele was found at a frequency of 1.6e-05 in 251456 control chromosomes. c.566T>C has been reported in the literature in individuals affected with Limb-Girdle Muscular Dystrophy, Autosomal Recessive (Groen_2007, Pollitt_2001, Richard_1999). These data indicate that the variant may be associated with disease. To our knowledge, no experimental evidence demonstrating an impact on protein function has been reported. The following publications have been ascertained in the context of this evaluation (PMID: 18055493, 11297944, 10330340).Three submitters have cited clinical-significance assessments for this variant to ClinVar after 2014. All submitters classified the variant as uncertain significance. Based on the evidence outlined above, the variant was classified as VUS-possibly pathogenic.

Revvity Omics, Revvity
Classification: Uncertain significance. Last evaluated: 2020-09-30. Review status: criteria provided, single submitter. Criteria: ACMG Guidelines, 2015. Collection method: clinical testing. Allele origin: germline.

Eurofins Ntd Llc (ga)
Classification: Uncertain significance. Last evaluated: 2017-09-19. Review status: criteria provided, single submitter. Criteria: EGL Classification Definitions 2015. Collection method: clinical testing. Allele origin: germline. Observed: 1 variant allele, 1 heterozygote.

Athena Diagnostics
Classification: Pathogenic for Limb-girdle muscular dystrophy, type 2A. Last evaluated: 2012-12-29. Review status: criteria provided, single submitter. Criteria: Athena Diagnostics Criteria. Collection method: clinical testing. Allele origin: germline. Inheritance: Autosomal recessive inheritance.

Literature cited by the submitters: PubMed 18055493 (cited by 5 submitters); PubMed 18413479 (cited by Myriad Genetics, Inc. and Natera, Inc.); PubMed 32153140 (cited by Myriad Genetics, Inc. and Natera, Inc.); PubMed 11297944 (cited by 4 submitters); PubMed 10330340 (cited by 3 submitters).

NM_000070.3(CAPN3):c.566T>C (p.Leu189Pro)

Gene: CAPN3 (calpain 3; plus strand). Cytogenetic location: 15q15.1.
Variant type: single nucleotide variant.
Coding change: c.566T>C on transcript NM_000070.3 (MANE Select); coding-DNA position 566, T replaced by C.
Protein change: p.Leu189Pro; replaces leucine 189 with proline.
Molecular consequence: missense variant.
Genome position (GRCh38, 1-based): chr15:42,387,820, T>C. VCF-style: chr15-42387820-T-C. GRCh37 (hg19) VCF-style: chr15-42680018-T-C.
Other names: c.566T>C, p.Leu189Pro (NM_024344.2, NM_173087.2); short protein forms L189P.
Identifiers: ClinVar variation 217158 (VCV000217158.17), dbSNP rs758795961, ClinGen allele CA347491.